The following is an entry in ClinVar:

ClinVar aggregate classification (germline): Uncertain significance (1 of 4 stars; one submission).

Conditions:
Inborn genetic diseases. Identifiers: MedGen C0950123, MeSH D030342.

Submission:

Ambry Genetics
Classification: Uncertain significance for Inborn genetic diseases. Last evaluated: 2025-10-01. Review status: criteria provided, single submitter. Criteria: Ambry Variant Classification Scheme 2023. Collection method: clinical testing. Allele origin: germline.
Comment: The p.P603L variant (also known as c.1808C>T), located in coding exon 12 of the ERCC6L2 gene, results from a C to T substitution at nucleotide position 1808. The proline at codon 603 is replaced by leucine, an amino acid with similar properties. This amino acid position is conserved. In addition, the in silico prediction for this alteration is inconclusive. Based on the available evidence, the clinical significance of this variant remains unclear.

NM_020207.7(ERCC6L2):c.1808C>T (p.Pro603Leu)

Gene: ERCC6L2 (ERCC excision repair 6 like 2; plus strand). Cytogenetic location: 9q22.32.
Variant type: single nucleotide variant.
Coding change: c.1808C>T on transcript NM_020207.7 (MANE Select); coding-DNA position 1808, C replaced by T.
Protein change: p.Pro603Leu; replaces proline 603 with leucine.
Molecular consequence: missense variant. On other transcripts: non-coding transcript variant (1).
Genome position (GRCh38, 1-based): chr9:95,941,510, C>T. VCF-style: chr9-95941510-C-T. GRCh37 (hg19) VCF-style: chr9-98703792-C-T.
Other names: c.1808C>T, p.Pro603Leu (NM_001010895.4, NM_001375291.1, NM_001375292.1 and 2 more transcripts); short protein forms P603L.
Identifiers: ClinVar variation 4618716 (VCV004618716.1).